The following is an entry in ClinVar:

ClinVar aggregate classification (germline): Conflicting classifications of pathogenicity. Review status: criteria provided, conflicting classifications (1 of 4 stars). 5 submissions from 5 submitters: Uncertain significance (4); Likely benign (1). Last evaluated 2025-11-17.

Conditions:
Café-au-lait macules with pulmonary stenosis (WTSN). Also called: PULMONIC STENOSIS WITH CAFE-AU-LAIT SPOTS. Identifiers: MedGen C0553586, MONDO:0008672, OMIM 193520.
Neurofibromatosis, familial spinal (FSNF). Identifiers: Orphanet 636, MedGen C1834235, MONDO:0008078, OMIM 162210. Disease mechanism: loss of function.
Juvenile myelomonocytic leukemia (JMML). Also called: LEUKEMIA, JUVENILE MYELOMONOCYTIC, SOMATIC. Identifiers: Orphanet 86834, MedGen C0349639, MONDO:0011908, OMIM 607785, HP:0012209.
Neurofibromatosis-Noonan syndrome (NFNS). Also called: NEUROFIBROMATOSIS WITH NOONAN PHENOTYPE. Identifiers: Orphanet 638, MedGen C2931482, MONDO:0011035, OMIM 601321. Disease mechanism: loss of function.
Neurofibromatosis, type 1 (NF1). Also called: Peripheral type neurofibromatosis; VON RECKLINGHAUSEN DISEASE; Neurofibromatosis, type I; NEUROFIBROMATOSIS, TYPE I, SOMATIC. Identifiers: Orphanet 636, MedGen C0027831, MONDO:0018975, OMIM 162200. Disease mechanism: loss of function.
Cardiovascular phenotype. Identifiers: MedGen CN230736.
Hereditary cancer-predisposing syndrome. Also called: Hereditary neoplastic syndrome; Neoplastic Syndromes, Hereditary; Hereditary Cancer Syndrome; Tumor predisposition. Identifiers: Orphanet 140162, MedGen C0027672, MeSH D009386, MONDO:0015356.

Allele frequency attached by ClinVar (database versions not stated): TOPMed below 0.00001; gnomAD exomes 0.00001.
gnomAD v4.1: 4 of 1,613,862 alleles (0.00025%); highest among the groups gnomAD compares: Non-Finnish European, 0.00017%; no homozygotes.

Submissions (5):

Labcorp Genetics (formerly Invitae), Labcorp
Classification: Likely benign for Neurofibromatosis, type 1. Last evaluated: 2025-11-17. Review status: criteria provided, single submitter. Criteria: Invitae Variant Classification Sherloc (09022015). Collection method: clinical testing. Allele origin: germline.

Baylor Genetics
Classification: Uncertain significance for Juvenile myelomonocytic leukemia. Last evaluated: 2024-03-29. Review status: criteria provided, single submitter. Criteria: ACMG Guidelines, 2015. Collection method: clinical testing. Allele origin: unknown.

St. Jude Molecular Pathology, St. Jude Children's Research Hospital
Classification: Uncertain significance for Neurofibromatosis, type 1. Last evaluated: 2024-02-02. Review status: criteria provided, single submitter. Criteria: St. Jude Assertion Criteria 2020. Collection method: clinical testing. Allele origin: germline.
Comment: The NF1 c.1319G>A (p.Arg440Gln) missense change has a maximum founder subpopulation frequency of 0.01% and a maximum non-founder subpopulation frequency of 0.0009% in gnomAD v2.1.1. The in silico tool REVEL predicts a deleterious effect on protein function, but to our knowledge this prediction has not been confirmed by functional studies. To our knowledge, this variant has not been reported in individuals with Neurofibromatosis type 1. In summary, the evidence currently available is insufficient to determine the clinical significance of this variant. It has therefore been classified as of uncertain significance.

Fulgent Genetics
Classification: Uncertain significance for Neurofibromatosis, type 1; Neurofibromatosis, familial spinal; Café-au-lait macules with pulmonary stenosis; Neurofibromatosis-Noonan syndrome; Juvenile myelomonocytic leukemia. Last evaluated: 2024-01-08. Review status: criteria provided, single submitter. Criteria: ACMG Guidelines, 2015. Collection method: clinical testing. Allele origin: germline.

Ambry Genetics
Classification: Uncertain significance for Cardiovascular phenotype; Hereditary cancer-predisposing syndrome. Last evaluated: 2020-02-27. Review status: criteria provided, single submitter. Criteria: Ambry Variant Classification Scheme 2023. Collection method: clinical testing. Allele origin: germline.

NM_001042492.3(NF1):c.1319G>A (p.Arg440Gln)

Gene: NF1 (neurofibromin 1; plus strand). Cytogenetic location: 17q11.2.
Variant type: single nucleotide variant.
Coding change: c.1319G>A on transcript NM_001042492.3 (MANE Select); coding-DNA position 1319, G replaced by A.
Protein change: p.Arg440Gln; replaces arginine 440 with glutamine.
Molecular consequence: missense variant.
Genome position (GRCh38, 1-based): chr17:31,206,298, G>A. VCF-style: chr17-31206298-G-A. GRCh37 (hg19) VCF-style: chr17-29533316-G-A.
Other names: c.1319G>A, p.Arg440Gln (NM_000267.4, NM_001128147.3); short protein forms R440Q.
Identifiers: ClinVar variation 571423 (VCV000571423.11), dbSNP rs1466678870, ClinGen allele CA398999421.